The following is an entry in ClinVar:

ClinVar aggregate classification (germline): Pathogenic. Review status: criteria provided, multiple submitters, no conflicts (2 of 4 stars). 3 submissions from 3 submitters: Pathogenic (2). 1 of the submissions does not count toward it. Last evaluated 2025-04-25.

Conditions:
Neuronal ceroid lipofuscinosis. Also called: Neuronal Ceroid Lipofuscinoses. Identifiers: Orphanet 216, Orphanet 79263, MedGen C0027877, MONDO:0016295. Disease mechanism: loss of function.
Neuronal ceroid lipofuscinosis 2. Also called: JANSKY-BIELSCHOWSKY DISEASE NEURONAL CEROID LIPOFUSCINOSIS, LATE INFANTILE; TPP1-Related Neuronal Ceroid-Lipofuscinosis. Identifiers: Orphanet 168491, Orphanet 228349, Orphanet 79264, MedGen C1876161, MONDO:0008769, OMIM 204500.

Allele frequency attached by ClinVar (database versions not stated): gnomAD exomes below 0.00001; ExAC 0.00001.

Submissions (3):

Natera, Inc.
Classification: Pathogenic for Neuronal ceroid lipofuscinosis 2. Last evaluated: 2025-04-25. Review status: criteria provided, single submitter. Criteria: Natera Variant Classification Schema (03/2026). Collection method: clinical testing. Allele origin: germline.
Comment: The c.640C>T variant in TPP1 is a nonsense variant predicted to introduce a stop codon at amino acid 214. This variant is expected to result in nonsense mediated decay, truncation, or a dysfunctional protein product. This variant is rare in the general population with a frequency below the threshold expected for the associated phenotype(s). This variant has been observed in one or more individuals affected with the associated recessive disease, as either homozygous or compound heterozygous with a second variant (PMID: 22245569). Given the available evidence, this variant is classified as Pathogenic.

Women's Health and Genetics/Laboratory Corporation of America, LabCorp
Classification: Pathogenic for Neuronal ceroid lipofuscinosis. Last evaluated: 2023-01-12. Review status: criteria provided, single submitter. Criteria: LabCorp Variant Classification Summary - May 2015. Collection method: clinical testing. Allele origin: germline.
Comment: Variant summary: TPP1 c.640C>T (p.Gln214X) results in a premature termination codon, predicted to cause a truncation of the encoded protein or absence of the protein due to nonsense mediated decay, which are commonly known mechanisms for disease. Truncations downstream of this position have been classified as pathogenic by our laboratory. The variant allele was found at a frequency of 4e-06 in 251236 control chromosomes. c.640C>T has been reported in the literature in individuals affected with Neuronal Ceroid-Lipofuscinosis (Batten Disease; Kousi_2012, Chang_2012, Santorelli_2013, etc). These data indicate that the variant is likely to be associated with disease. To our knowledge, no experimental evidence demonstrating an impact on protein function has been reported. One clinical diagnostic laboratory has submitted clinical-significance assessments for this variant to ClinVar after 2014 without evidence for independent evaluation. One laboratory classified the variant as pathogenic. Based on the evidence outlined above, the variant was classified as pathogenic.

Counsyl
Classification: Pathogenic for Neuronal ceroid lipofuscinosis 2. Last evaluated: 2016-08-22. Review status: no assertion criteria provided. Collection method: clinical testing. Allele origin: unknown. Not counted in ClinVar's aggregate classification.

Literature cited by the submitters: PubMed 22245569 (cited by 3 submitters); PubMed 21990111 (cited by Women's Health and Genetics/Laboratory Corporation of America, LabCorp and Counsyl); PubMed 23374165 (cited by Women's Health and Genetics/Laboratory Corporation of America, LabCorp); PubMed 31059981 (cited by Women's Health and Genetics/Laboratory Corporation of America, LabCorp); PubMed 31589614 (cited by Women's Health and Genetics/Laboratory Corporation of America, LabCorp); PubMed 27553520 (cited by Women's Health and Genetics/Laboratory Corporation of America, LabCorp); PubMed 35314707 (cited by Women's Health and Genetics/Laboratory Corporation of America, LabCorp).

NM_000391.4(TPP1):c.640C>T (p.Gln214Ter)

Gene: TPP1 (tripeptidyl peptidase 1; minus strand). Cytogenetic location: 11p15.4.
Variant type: single nucleotide variant.
Coding change: c.640C>T on transcript NM_000391.4 (MANE Select); coding-DNA position 640, C replaced by T.
Protein change: p.Gln214Ter; replaces glutamine 214 with a stop codon.
Molecular consequence: nonsense.
Genome position (GRCh38, 1-based): chr11:6,617,022, G>A on the plus strand (C>T on the coding strand, the complement: TPP1 is on the minus strand). VCF-style: chr11-6617022-G-A. GRCh37 (hg19) VCF-style: chr11-6638253-G-A.
Other names: short protein forms Q214*.
Identifiers: ClinVar variation 371293 (VCV000371293.8), dbSNP rs752164603, ClinGen allele CA5858889.